The following is an entry in ClinVar:

ClinVar aggregate classification (germline): Uncertain significance. Review status: criteria provided, multiple submitters, no conflicts (2 of 4 stars). 5 submissions from 5 submitters: Uncertain significance (4). 1 of the submissions does not count toward it. Last evaluated 2024-06-20.

Conditions:
Cholestanol storage disease (CTX). Also called: Cerebrotendinous Xanthomatosis; CTX: Cerebrotendinous xanthomatosis; CEREBRAL CHOLESTERINOSIS. Identifiers: Orphanet 909, MedGen C0238052, MONDO:0008948, OMIM 213700.

Allele frequency attached by ClinVar (database versions not stated): ExAC 0.00003; gnomAD exomes 0.00003 and 0.00005; TOPMed 0.00003; gnomAD 0.00005.
gnomAD v4.1: 77 of 1,614,004 alleles (0.0048%); highest among the groups gnomAD compares: Middle Eastern, 0.016%; no homozygotes.

Submissions (5):

Women's Health and Genetics/Laboratory Corporation of America, LabCorp
Classification: Uncertain significance. Last evaluated: 2024-06-20. Review status: criteria provided, single submitter. Criteria: LabCorp Variant Classification Summary - May 2015. Collection method: clinical testing. Allele origin: germline.
Comment: Variant summary: CYP27A1 c.472C>T (p.Arg158Cys) results in a non-conservative amino acid change in the encoded protein sequence. Five of five in-silico tools predict a damaging effect of the variant on protein function. The variant allele was found at a frequency of 3.2e-05 in 251434 control chromosomes (gnomAD). The available data on variant occurrences in the general population are insufficient to allow any conclusion about variant significance. c.472C>T has been reported in the literature in an individual affected with Cerebrotendinous Xanthomatosis (Zhang_2020). These data do not allow any conclusion about variant significance. To our knowledge, no experimental evidence demonstrating an impact on protein function has been reported. The following publication has been ascertained in the context of this evaluation (PMID: 33313117). ClinVar contains an entry for this variant (Variation ID: 287927). Based on the evidence outlined above, the variant was classified as uncertain significance.

GeneDx
Classification: Uncertain significance. Last evaluated: 2023-05-30. Review status: criteria provided, single submitter. Criteria: GeneDx Variant Classification Process June 2021. Collection method: clinical testing. Allele origin: germline. Affected: yes.
Comment: In silico analysis supports that this missense variant has a deleterious effect on protein structure/function; This variant is associated with the following publications: (PMID: 26643207, 32344004, 33313117)

Labcorp Genetics (formerly Invitae), Labcorp
Classification: Uncertain significance for Cholestanol storage disease. Last evaluated: 2022-11-01. Review status: criteria provided, single submitter. Criteria: Invitae Variant Classification Sherloc (09022015). Collection method: clinical testing. Allele origin: germline.
Comment: This sequence change replaces arginine, which is basic and polar, with cysteine, which is neutral and slightly polar, at codon 158 of the CYP27A1 protein (p.Arg158Cys). This variant is present in population databases (rs774541162, gnomAD 0.006%). This variant has not been reported in the literature in individuals affected with CYP27A1-related conditions. ClinVar contains an entry for this variant (Variation ID: 287927). Advanced modeling of protein sequence and biophysical properties (such as structural, functional, and spatial information, amino acid conservation, physicochemical variation, residue mobility, and thermodynamic stability) performed at Invitae indicates that this missense variant is expected to disrupt CYP27A1 protein function. In summary, the available evidence is currently insufficient to determine the role of this variant in disease. Therefore, it has been classified as a Variant of Uncertain Significance.

Eurofins Ntd Llc (ga)
Classification: Uncertain significance. Last evaluated: 2018-02-02. Review status: criteria provided, single submitter. Criteria: EGL Classification Definitions 2015. Collection method: clinical testing. Allele origin: germline. Observed: 3 variant alleles, 3 heterozygotes.

Natera, Inc.
Classification: Uncertain significance for Cerebrotendinous xanthomatosis. Last evaluated: 2020-03-04. Review status: no assertion criteria provided. Collection method: clinical testing. Allele origin: germline. Not counted in ClinVar's aggregate classification.

Literature cited by the submitters: PubMed 33313117 (cited by Women's Health and Genetics/Laboratory Corporation of America, LabCorp).

NM_000784.4(CYP27A1):c.472C>T (p.Arg158Cys)

Gene: CYP27A1 (cytochrome P450 family 27 subfamily A member 1; plus strand). Cytogenetic location: 2q35.
Variant type: single nucleotide variant.
Coding change: c.472C>T on transcript NM_000784.4 (MANE Select); coding-DNA position 472, C replaced by T.
Protein change: p.Arg158Cys; replaces arginine 158 with cysteine.
Molecular consequence: missense variant.
Genome position (GRCh38, 1-based): chr2:218,812,247, C>T. VCF-style: chr2-218812247-C-T. GRCh37 (hg19) VCF-style: chr2-219676970-C-T.
Other names: short protein forms R158C.
Identifiers: ClinVar variation 287927 (VCV000287927.16), dbSNP rs774541162, ClinGen allele CA2112619.